The following is an entry in ClinVar:

ClinVar aggregate classification (germline): Uncertain significance (1 of 4 stars; one submission).

Conditions:
Hypertrophic cardiomyopathy 19. Also called: Familial hypertrophic cardiomyopathy 19. Identifiers: MedGen CN077603, MONDO:0013476.

Allele frequency attached by ClinVar (database versions not stated): gnomAD exomes below 0.00001; gnomAD 0.00001.

Submission:

Labcorp Genetics (formerly Invitae), Labcorp
Classification: Uncertain significance for Hypertrophic cardiomyopathy 19. Last evaluated: 2024-03-12. Review status: criteria provided, single submitter. Criteria: Invitae Variant Classification Sherloc (09022015). Collection method: clinical testing. Allele origin: germline.
Comment: This sequence change replaces glycine, which is neutral and non-polar, with arginine, which is basic and polar, at codon 47 of the CALR3 protein (p.Gly47Arg). This variant is present in population databases (no rsID available, gnomAD 0.0009%). This variant has not been reported in the literature in individuals affected with CALR3-related conditions. ClinVar contains an entry for this variant (Variation ID: 1396078). Advanced modeling of protein sequence and biophysical properties (such as structural, functional, and spatial information, amino acid conservation, physicochemical variation, residue mobility, and thermodynamic stability) performed at Invitae indicates that this missense variant is expected to disrupt CALR3 protein function with a positive predictive value of 80%. In summary, the available evidence is currently insufficient to determine the role of this variant in disease. Therefore, it has been classified as a Variant of Uncertain Significance.

NM_145046.5(CALR3):c.139G>C (p.Gly47Arg)

Gene: CALR3 (calreticulin 3; minus strand). Cytogenetic location: 19p13.11.
Variant type: single nucleotide variant.
Coding change: c.139G>C on transcript NM_145046.5 (MANE Select); coding-DNA position 139, G replaced by C.
Protein change: p.Gly47Arg; replaces glycine 47 with arginine.
Molecular consequence: missense variant.
Genome position (GRCh38, 1-based): chr19:16,495,805, C>G on the plus strand (G>C on the coding strand, the complement: CALR3 is on the minus strand). VCF-style: chr19-16495805-C-G. GRCh37 (hg19) VCF-style: chr19-16606616-C-G.
Other names: short protein forms G47R.
Identifiers: ClinVar variation 1396078 (VCV001396078.8), dbSNP rs1279334739, ClinGen allele CA404615766.